The following is an entry in ClinVar:

ClinVar aggregate classification (germline): Likely pathogenic (1 of 4 stars; one submission).

Conditions:
NOTCH1-related disorder. Also called: NOTCH1-related disorders; NOTCH1-related condition.

Submission:

PreventionGenetics, part of Exact Sciences
Classification: Likely pathogenic for NOTCH1-related condition. Last evaluated: 2023-03-17. Review status: criteria provided, single submitter. Criteria: ACMG Guidelines, 2015. Collection method: clinical testing. Allele origin: germline.
Comment: The NOTCH1 c.3856C>T variant is predicted to result in premature protein termination (p.Gln1286*). To our knowledge, this variant has not been reported in the literature or in a large population database, indicating this variant is rare. Nonsense variants in NOTCH1 are expected to be pathogenic. This variant is interpreted as likely pathogenic.

NM_017617.5(NOTCH1):c.3856C>T (p.Gln1286Ter)

Gene: NOTCH1 (notch receptor 1; minus strand). Cytogenetic location: 9q34.3.
Variant type: single nucleotide variant.
Coding change: c.3856C>T on transcript NM_017617.5 (MANE Select); coding-DNA position 3856, C replaced by T.
Protein change: p.Gln1286Ter; replaces glutamine 1286 with a stop codon.
Molecular consequence: nonsense.
Genome position (GRCh38, 1-based): chr9:136,506,761, G>A on the plus strand (C>T on the coding strand, the complement: NOTCH1 is on the minus strand). VCF-style: chr9-136506761-G-A. GRCh37 (hg19) VCF-style: chr9-139401213-G-A.
Other names: short protein forms Q1286*.
Identifiers: ClinVar variation 2633746 (VCV002633746.1), dbSNP rs2133343317, ClinGen allele CA375549034.